The following is an entry in ClinVar:

NM_130384.3(ATRIP):c.245C>G (p.Ser82Cys)

Genes: ATRIP (ATR interacting protein; plus strand), ATRIP-TREX1 (ATRIP-TREX1 readthrough; plus strand). Cytogenetic location: 3p21.31.
Variant type: single nucleotide variant.
Coding change: c.245C>G on transcript NM_130384.3 (MANE Select); coding-DNA position 245, C replaced by G.
Protein change: p.Ser82Cys; replaces serine 82 with cysteine.
Molecular consequence: missense variant. On other transcripts: non-coding transcript variant (1), intron variant (1).
Genome position (GRCh38, 1-based): chr3:48,447,090, C>G. VCF-style: chr3-48447090-C-G. GRCh37 (hg19) VCF-style: chr3-48488494-C-G.
Other names: c.245C>G, p.Ser82Cys (NM_032166.4); c.-218+291C>G (NM_001271022.2); short protein forms S82C.
Identifiers: ClinVar variation 3464555 (VCV003464555.1).

ClinVar aggregate classification (germline): Uncertain significance (1 of 4 stars; one submission).

gnomAD v4.1: 2 of 1,532,030 alleles (0.00013%); highest among the groups gnomAD compares: African/African-American, 0.0014%; no homozygotes.

Submission:

Ambry Genetics
Classification: Uncertain significance. Last evaluated: 2024-11-26. Review status: criteria provided, single submitter. Criteria: Ambry Variant Classification Scheme 2023. Collection method: clinical testing. Allele origin: germline.
Comment: The p.S82C variant (also known as c.245C>G), located in coding exon 1 of the ATRIP gene, results from a C to G substitution at nucleotide position 245. The serine at codon 82 is replaced by cysteine, an amino acid with dissimilar properties. This amino acid position is conserved. In addition, this alteration is predicted to be tolerated by in silico analysis. Based on the available evidence, the clinical significance of this variant remains unclear.